The following is an entry in ClinVar:

ClinVar aggregate classification (germline): Likely benign. Review status: criteria provided, multiple submitters, no conflicts (2 of 4 stars). 3 submissions from 3 submitters: Likely benign (3). Last evaluated 2025-04-09.

Conditions:
Charcot-Marie-Tooth disease type 2. Also called: Charcot-Marie-Tooth type 2. Identifiers: Orphanet 64746, MedGen C0270914, MONDO:0018993.

Allele frequency attached by ClinVar (database versions not stated): gnomAD exomes below 0.00001.
gnomAD v4.1: 6 of 1,614,192 alleles (0.00037%); highest among the groups gnomAD compares: Middle Eastern, 0.016%; no homozygotes.

Submissions (3):

Labcorp Genetics (formerly Invitae), Labcorp
Classification: Likely benign for Charcot-Marie-Tooth disease type 2. Last evaluated: 2025-04-09. Review status: criteria provided, single submitter. Criteria: Invitae Variant Classification Sherloc (09022015). Collection method: clinical testing. Allele origin: germline.

Blueprint Genetics
Classification: Likely benign. Last evaluated: 2020-05-24. Review status: criteria provided, single submitter. Criteria: ACMG Guidelines, 2015. Collection method: clinical testing. Allele origin: germline.

GeneDx
Classification: Likely benign. Last evaluated: 2017-08-29. Review status: criteria provided, single submitter. Criteria: GeneDx Variant Classification (06012015). Collection method: clinical testing. Allele origin: germline. Affected: yes.
Comment: This variant is considered likely benign or benign based on one or more of the following criteria: it is a conservative change, it occurs at a poorly conserved position in the protein, it is predicted to be benign by multiple in silico algorithms, and/or has population frequency not consistent with disease.

NM_014874.4(MFN2):c.666G>A (p.Val222=)

Gene: MFN2 (mitofusin 2; plus strand). Cytogenetic location: 1p36.22.
Variant type: single nucleotide variant.
Coding change: c.666G>A on transcript NM_014874.4 (MANE Select); coding-DNA position 666, G replaced by A.
Protein change: p.Val222=; no amino-acid change (valine 222 retained).
Molecular consequence: synonymous variant.
Genome position (GRCh38, 1-based): chr1:11,998,836, G>A. VCF-style: chr1-11998836-G-A. GRCh37 (hg19) VCF-style: chr1-12058893-G-A.
Other names: c.666G>A, p.Val222= (NM_001127660.2).
Identifiers: ClinVar variation 511393 (VCV000511393.6), dbSNP rs911933291, ClinGen allele CA18009198.
Genomic context (GRCh38, chr1:11,998,836, plus strand): 5'-TATTGATGTCACCACAGAGCTGGACAGCTGGATTGACAAGTTTTGTCTGGATGCTGATGT[G>A]TTTGTGCTGGTGGCCAACTCAGAGTCCACCCTGATGCAGACGGTAACTCCTCCTCTGCCT-3'
Protein context (NP_055689.1, residues 212-232): WIDKFCLDAD[Val222=]FVLVANSEST